The following is an entry in ClinVar:

ClinVar aggregate classification (germline): Uncertain significance (1 of 4 stars; one submission).

Conditions:
Emery-Dreifuss muscular dystrophy (EDMD). Also called: Scapuloperoneal syndrome, X-linked (formerly); Humeroperoneal neuromuscular disease, (formerly). Identifiers: Orphanet 261, MedGen C0410189, MONDO:0016830.

Allele frequency attached by ClinVar (database versions not stated): gnomAD 0.00001; TOPMed 0.00001.

Submission:

Labcorp Genetics (formerly Invitae), Labcorp
Classification: Uncertain significance for Emery-Dreifuss muscular dystrophy. Last evaluated: 2021-07-04. Review status: criteria provided, single submitter. Criteria: Invitae Variant Classification Sherloc (09022015). Collection method: clinical testing. Allele origin: germline.
Comment: In summary, the available evidence is currently insufficient to determine the role of this variant in disease. Therefore, it has been classified as a Variant of Uncertain Significance. This variant has not been reported in the literature in individuals affected with SUN1-related conditions. This variant is not present in population databases (ExAC no frequency). This sequence change creates a premature translational stop signal (p.Gln399*) in the SUN1 gene. It is expected to result in an absent or disrupted protein product. However, the current clinical and genetic evidence is not sufficient to establish whether loss-of-function variants in SUN1 cause disease.

NM_001130965.3(SUN1):c.1195C>T (p.Gln399Ter)

Gene: SUN1 (Sad1 and UNC84 domain containing 1; plus strand). Cytogenetic location: 7p22.3.
Variant type: single nucleotide variant.
Coding change: c.1195C>T on transcript NM_001130965.3 (MANE Select); coding-DNA position 1195, C replaced by T.
Protein change: p.Gln399Ter; replaces glutamine 399 with a stop codon.
Molecular consequence: nonsense. On other transcripts: non-coding transcript variant (3).
Genome position (GRCh38, 1-based): chr7:853,550, C>T. VCF-style: chr7-853550-C-T. GRCh37 (hg19) VCF-style: chr7-893187-C-T.
Other names: c.1585C>T, p.Gln529Ter (NM_001367687.1, NM_001367678.1, NM_001367699.1); c.1276C>T, p.Gln426Ter (NM_001367688.1); c.1156C>T, p.Gln386Ter (NM_001367689.1, NM_001367667.1, NM_001367645.1); c.1486C>T, p.Gln496Ter (NM_001367690.1); c.1438C>T, p.Gln480Ter (NM_001367666.1, NM_001367655.1); c.1237C>T, p.Gln413Ter (NM_001367668.1, NM_001367647.1); c.1306C>T, p.Gln436Ter (NM_001367685.1, NM_001367664.1, NM_001367696.1); c.1027C>T, p.Gln343Ter (NM_001367686.1); and 38 more; short protein forms Q161*, Q246*, Q316*, Q343*, Q373*, Q459*, Q463*, Q469*.
Identifiers: ClinVar variation 1447904 (VCV001447904.6), dbSNP rs1287838591, ClinGen allele CA366531391.